The following is an entry in ClinVar:

ClinVar aggregate classification (germline): Uncertain significance (1 of 4 stars; one submission).

Conditions:
Charcot-Marie-Tooth disease type 4. Also called: Charcot-Marie-Tooth disease, type IV; Charcot-Marie-Tooth, Type 4. Identifiers: Orphanet 64749, MedGen C4082197, MONDO:0018995.

Allele frequency attached by ClinVar (database versions not stated): ExAC 0.00001.

Submission:

Labcorp Genetics (formerly Invitae), Labcorp
Classification: Uncertain significance for Charcot-Marie-Tooth disease type 4. Last evaluated: 2020-12-10. Review status: criteria provided, single submitter. Criteria: Invitae Variant Classification Sherloc (09022015). Collection method: clinical testing. Allele origin: germline.
Comment: This variant has not been reported in the literature in individuals with SH3TC2-related conditions. This variant is present in population databases (rs779447016, ExAC 0.002%). This sequence change replaces isoleucine with valine at codon 470 of the SH3TC2 protein (p.Ile470Val). The isoleucine residue is highly conserved and there is a small physicochemical difference between isoleucine and valine. Algorithms developed to predict the effect of missense changes on protein structure and function (SIFT, PolyPhen-2, Align-GVGD) all suggest that this variant is likely to be tolerated, but these predictions have not been confirmed by published functional studies and their clinical significance is uncertain. In summary, the available evidence is currently insufficient to determine the role of this variant in disease. Therefore, it has been classified as a Variant of Uncertain Significance.

NM_024577.4(SH3TC2):c.1408A>G (p.Ile470Val)

Gene: SH3TC2 (SH3 domain and tetratricopeptide repeats 2; minus strand). Cytogenetic location: 5q32.
Variant type: single nucleotide variant.
Coding change: c.1408A>G on transcript NM_024577.4 (MANE Select); coding-DNA position 1408, A replaced by G.
Protein change: p.Ile470Val; replaces isoleucine 470 with valine.
Molecular consequence: missense variant.
Genome position (GRCh38, 1-based): chr5:149,028,324, T>C on the plus strand (A>G on the coding strand, the complement: SH3TC2 is on the minus strand). VCF-style: chr5-149028324-T-C. GRCh37 (hg19) VCF-style: chr5-148407887-T-C.
Other names: short protein forms I470V.
Identifiers: ClinVar variation 862073 (VCV000862073.9), dbSNP rs779447016, ClinGen allele CA3499181.
Genomic context (GRCh38, chr5:149,028,324, plus strand): 5'-AGAAGTCATAGAGACTCTTAAAGTGGTCAGCATAACCCTCATGATCCAGAAAAGCCAATA[T>C]GGGGGCGAAGTTCTCAGCCTCCTCCTCCTGACCAGTGCTTAGGTCCATGAGCAGTTCCGG-3'
Protein context (NP_078853.2, residues 460-480): QEEEAENFAP[Ile470Val]LAFLDHEGYA